The following is an entry in ClinVar:

ClinVar aggregate classification (germline): Uncertain significance (1 of 4 stars; one submission).

gnomAD v4.1: 1 of 1,613,606 alleles (0.000062%); highest among the groups gnomAD compares: Non-Finnish European, 0.000085%; no homozygotes.

Submission:

GeneDx
Classification: Uncertain significance. Last evaluated: 2025-01-27. Review status: criteria provided, single submitter. Criteria: GeneDx Variant Classification Process June 2021. Collection method: clinical testing. Allele origin: germline. Affected: yes.
Comment: In silico analysis supports that this missense variant has a deleterious effect on protein structure/function; Has not been previously published as pathogenic or benign to our knowledge

NM_001394062.1(MACF1):c.20174T>C (p.Leu6725Pro)

Gene: MACF1 (microtubule actin crosslinking factor 1; plus strand). Cytogenetic location: 1p34.3.
Variant type: single nucleotide variant.
Coding change: c.20174T>C on transcript NM_001394062.1 (MANE Select); coding-DNA position 20174, T replaced by C.
Protein change: p.Leu6725Pro; replaces leucine 6725 with proline.
Molecular consequence: missense variant.
Genome position (GRCh38, 1-based): chr1:39,448,679, T>C. VCF-style: chr1-39448679-T-C. GRCh37 (hg19) VCF-style: chr1-39914351-T-C.
Other names: c.8252T>C, p.Leu2751Pro (NM_001397473.1); c.13997T>C, p.Leu4666Pro (NM_012090.5); short protein forms L2751P, L4666P, L6725P.
Identifiers: ClinVar variation 4071634 (VCV004071634.1).